The following is an entry in ClinVar:

NM_001130987.2(DYSF):c.2042C>T (p.Ser681Phe)

Gene: DYSF (dysferlin; plus strand). Cytogenetic location: 2p13.2.
Variant type: single nucleotide variant.
Coding change: c.2042C>T on transcript NM_001130987.2 (MANE Select); coding-DNA position 2042, C replaced by T.
Protein change: p.Ser681Phe; replaces serine 681 with phenylalanine.
Molecular consequence: missense variant.
Genome position (GRCh38, 1-based): chr2:71,553,864, C>T. VCF-style: chr2-71553864-C-T. GRCh37 (hg19) VCF-style: chr2-71780994-C-T.
Other names: c.1991C>T, p.Ser664Phe (NM_001130455.2, NM_001130983.2); c.1946C>T, p.Ser649Phe (NM_001130976.2, NM_001130977.2); c.1988C>T, p.Ser663Phe (NM_001130978.2, NM_003494.4); c.2081C>T, p.Ser694Phe (NM_001130979.2); c.2039C>T, p.Ser680Phe (NM_001130980.2, NM_001130981.2); c.2084C>T, p.Ser695Phe (NM_001130982.2); c.1949C>T, p.Ser650Phe (NM_001130984.2, NM_001130986.2); c.2042C>T, p.Ser681Phe (NM_001130985.2); short protein forms S663F, S695F, S650F, S680F, S694F, S649F, S664F, S681F.
Identifiers: ClinVar variation 1937460 (VCV001937460.2), dbSNP rs2545694833, ClinGen allele CA347218910.
Genomic context (GRCh38, chr2:71,553,864, plus strand): 5'-CAGGGTGCCACTACTACTACCTACCCTGGGGTAACGTGAAACCTGTGGTGGTGCTGTCAT[C>T]CTACTGGGAGGACATCAGCCATAGAATCGAGACTCAGAACCAGCTGCTTGGGATTGCTGA-3'
Protein context (NP_001124459.1, residues 671-691): GNVKPVVVLS[Ser681Phe]YWEDISHRIE

ClinVar aggregate classification (germline): Uncertain significance (1 of 4 stars; one submission).

Conditions:
Neuromuscular disease caused by qualitative or quantitative defects of dysferlin. Also called: Qualitative or quantitative defects of dysferlin; Dysferlinopathy. Identifiers: Orphanet 207073, MedGen C2931687, MONDO:0016145.

Allele frequency attached by ClinVar (database versions not stated): gnomAD exomes below 0.00001.
gnomAD v4.1: 1 of 1,607,686 alleles (0.000062%); highest among the groups gnomAD compares: Non-Finnish European, 0.000085%; no homozygotes.

Submission:

Labcorp Genetics (formerly Invitae), Labcorp
Classification: Uncertain significance for Neuromuscular disease caused by qualitative or quantitative defects of dysferlin. Last evaluated: 2021-03-23. Review status: criteria provided, single submitter. Criteria: Invitae Variant Classification Sherloc (09022015). Collection method: clinical testing. Allele origin: germline.
Comment: This sequence change replaces serine with phenylalanine at codon 663 of the DYSF protein (p.Ser663Phe). The serine residue is moderately conserved and there is a large physicochemical difference between serine and phenylalanine. This variant is not present in population databases (ExAC no frequency). This variant has not been reported in the literature in individuals with DYSF-related conditions. Advanced modeling of protein sequence and biophysical properties (such as structural, functional, and spatial information, amino acid conservation, physicochemical variation, residue mobility, and thermodynamic stability) performed at Invitae indicates that this missense variant is expected to disrupt DYSF protein function. In summary, the available evidence is currently insufficient to determine the role of this variant in disease. Therefore, it has been classified as a Variant of Uncertain Significance.